The following is an entry in ClinVar:

NM_001903.5(CTNNA1):c.126C>T (p.Thr42=)

Gene: CTNNA1 (catenin alpha 1; plus strand). Cytogenetic location: 5q31.2.
Variant type: single nucleotide variant.
Coding change: c.126C>T on transcript NM_001903.5 (MANE Select); coding-DNA position 126, C replaced by T.
Protein change: p.Thr42=; no amino-acid change (threonine 42 retained).
Molecular consequence: synonymous variant. On other transcripts: 5 prime UTR variant (1), intron variant (1).
Genome position (GRCh38, 1-based): chr5:138,783,197, C>T. VCF-style: chr5-138783197-C-T. GRCh37 (hg19) VCF-style: chr5-138118886-C-T.
Other names: c.126C>T, p.Thr42= (NM_001290307.3, NM_001323982.2, NM_001323983.1 and 3 more transcripts); c.-81C>T (NM_001290310.3); c.-9+1168C>T (NM_001290309.3).
Identifiers: ClinVar variation 2693559 (VCV002693559.4), dbSNP rs1561521562, ClinGen allele CA446725065.

ClinVar aggregate classification (germline): Benign/Likely benign. Review status: criteria provided, multiple submitters, no conflicts (2 of 4 stars). 2 submissions from 2 submitters: Benign (1); Likely benign (1). Last evaluated 2024-10-09.

Conditions:
Hereditary diffuse gastric adenocarcinoma (HDGC). Also called: DIFFUSE GASTRIC AND LOBULAR BREAST CANCER SYNDROME. Identifiers: Orphanet 26106, MedGen C1708349, MONDO:0007648, OMIM 137215.

Submissions (2):

Myriad Genetics, Inc.
Classification: Benign for Hereditary diffuse gastric adenocarcinoma. Last evaluated: 2024-10-09. Review status: criteria provided, single submitter. Criteria: Myriad Autosomal Dominant, Autosomal Recessive and X-Linked Classification Criteria (2023). Collection method: clinical testing. Allele origin: unknown.
Comment: This variant is considered benign. This variant is a silent/synonymous amino acid change and it is not expected to impact splicing.

Labcorp Genetics (formerly Invitae), Labcorp
Classification: Likely benign. Last evaluated: 2023-11-06. Review status: criteria provided, single submitter. Criteria: Invitae Variant Classification Sherloc (09022015). Collection method: clinical testing. Allele origin: germline.